The following is an entry in ClinVar:

NM_001190274.2(FBXO11):c.613G>C (p.Glu205Gln)

Gene: FBXO11 (F-box protein 11; minus strand). Cytogenetic location: 2p16.3.
Variant type: single nucleotide variant.
Coding change: c.613G>C on transcript NM_001190274.2 (MANE Select); coding-DNA position 613, G replaced by C.
Protein change: p.Glu205Gln; replaces glutamic acid 205 with glutamine.
Molecular consequence: missense variant.
Genome position (GRCh38, 1-based): chr2:47,835,976, C>G on the plus strand (G>C on the coding strand, the complement: FBXO11 is on the minus strand). VCF-style: chr2-47835976-C-G. GRCh37 (hg19) VCF-style: chr2-48063115-C-G.
Other names: c.361G>C, p.Glu121Gln (NM_001374325.1, NM_025133.4); short protein forms E121Q, E205Q.
Identifiers: ClinVar variation 2111011 (VCV002111011.4), dbSNP rs2531223243, ClinGen allele CA346812383.

ClinVar aggregate classification (germline): Uncertain significance (1 of 4 stars; one submission).

Submission:

Labcorp Genetics (formerly Invitae), Labcorp
Classification: Uncertain significance. Last evaluated: 2022-03-13. Review status: criteria provided, single submitter. Criteria: Invitae Variant Classification Sherloc (09022015). Collection method: clinical testing. Allele origin: germline.
Comment: This variant has not been reported in the literature in individuals affected with FBXO11-related conditions. This variant is not present in population databases (gnomAD no frequency). This sequence change replaces glutamic acid, which is acidic and polar, with glutamine, which is neutral and polar, at codon 205 of the FBXO11 protein (p.Glu205Gln). In summary, the available evidence is currently insufficient to determine the role of this variant in disease. Therefore, it has been classified as a Variant of Uncertain Significance. Algorithms developed to predict the effect of missense changes on protein structure and function are either unavailable or do not agree on the potential impact of this missense change (SIFT: "Deleterious"; PolyPhen-2: "Possibly Damaging"; Align-GVGD: "Class C0").